The following is an entry in ClinVar:

NM_003482.4(KMT2D):c.2123C>G (p.Ser708Cys)

Gene: KMT2D (lysine methyltransferase 2D; minus strand). Cytogenetic location: 12q13.12.
Variant type: single nucleotide variant.
Coding change: c.2123C>G on transcript NM_003482.4 (MANE Select); coding-DNA position 2123, C replaced by G.
Protein change: p.Ser708Cys; replaces serine 708 with cysteine.
Molecular consequence: missense variant.
Genome position (GRCh38, 1-based): chr12:49,051,560, G>C on the plus strand (C>G on the coding strand, the complement: KMT2D is on the minus strand). VCF-style: chr12-49051560-G-C. GRCh37 (hg19) VCF-style: chr12-49445343-G-C.
Other names: c.2123C>G (NM_003482.3); short protein forms S708C.
Identifiers: ClinVar variation 1464606 (VCV001464606.10), dbSNP rs1592155403, ClinGen allele CA384668395.

ClinVar aggregate classification (germline): Uncertain significance. Review status: criteria provided, single submitter (1 of 4 stars). 2 submissions from 2 submitters: Uncertain significance (1). 1 of the submissions does not count toward it. Last evaluated 2020-11-26.

Conditions:
KMT2D-related disorder. Also called: KMT2D-Related Disorders.
Kabuki syndrome. Also called: NIIKAWA-KUROKI SYNDROME; Kabuki make-up syndrome. Identifiers: Orphanet 2322, MedGen C0796004, MONDO:0016512.

Allele frequency attached by ClinVar (database versions not stated): gnomAD exomes below 0.00001.
gnomAD v4.1: 1 of 1,609,762 alleles (0.000062%); highest among the groups gnomAD compares: Non-Finnish European, 0.000085%; no homozygotes.

Submissions (2):

Labcorp Genetics (formerly Invitae), Labcorp
Classification: Uncertain significance for Kabuki syndrome. Last evaluated: 2020-11-26. Review status: criteria provided, single submitter. Criteria: Invitae Variant Classification Sherloc (09022015). Collection method: clinical testing. Allele origin: germline.
Comment: In summary, the available evidence is currently insufficient to determine the role of this variant in disease. Therefore, it has been classified as a Variant of Uncertain Significance. Advanced modeling of protein sequence and biophysical properties (such as structural, functional, and spatial information, amino acid conservation, physicochemical variation, residue mobility, and thermodynamic stability) performed at Invitae indicates that this missense variant is not expected to disrupt KMT2D protein function. This variant has not been reported in the literature in individuals with KMT2D-related conditions. This variant is not present in population databases (ExAC no frequency). This sequence change replaces serine with cysteine at codon 708 of the KMT2D protein (p.Ser708Cys). The serine residue is weakly conserved and there is a moderate physicochemical difference between serine and cysteine.

PreventionGenetics, part of Exact Sciences
Classification: Uncertain significance for KMT2D-related condition. Last evaluated: 2024-02-06. Review status: no assertion criteria provided. Collection method: clinical testing. Allele origin: germline. Not counted in ClinVar's aggregate classification.
Comment: The KMT2D c.2123C>G variant is predicted to result in the amino acid substitution p.Ser708Cys. To our knowledge, this variant has not been reported in the literature or in a large population database, indicating this variant is rare. At this time, the clinical significance of this variant is uncertain due to the absence of conclusive functional and genetic evidence.